The following is an entry in ClinVar:

NM_015965.7(NDUFA13):c.17T>G (p.Val6Gly)

Genes: NDUFA13 (NADH:ubiquinone oxidoreductase subunit A13; plus strand), LOC130064074 (ATAC-STARR-seq lymphoblastoid active region 14360; plus strand). Cytogenetic location: 19p13.11.
Variant type: single nucleotide variant.
Coding change: c.17T>G on transcript NM_015965.7 (MANE Select); coding-DNA position 17, T replaced by G.
Protein change: p.Val6Gly; replaces valine 6 with glycine.
Molecular consequence: missense variant.
Genome position (GRCh38, 1-based): chr19:19,516,255, T>G. VCF-style: chr19-19516255-T-G. GRCh37 (hg19) VCF-style: chr19-19627064-T-G.
Other names: short protein forms V6G.
Identifiers: ClinVar variation 4770574 (VCV004770574.1).

ClinVar aggregate classification (germline): Uncertain significance (1 of 4 stars; one submission).

gnomAD v4.1: 4 of 1,613,664 alleles (0.00025%); highest among the groups gnomAD compares: Non-Finnish European, 0.00034%; no homozygotes.

Submission:

Labcorp Genetics (formerly Invitae), Labcorp
Classification: Uncertain significance. Last evaluated: 2025-11-18. Review status: criteria provided, single submitter. Criteria: Invitae Variant Classification Sherloc (09022015). Collection method: clinical testing. Allele origin: germline.
Comment: This sequence change replaces valine, which is neutral and non-polar, with glycine, which is neutral and non-polar, at codon 6 of the NDUFA13 protein (p.Val6Gly). This variant is not present in population databases (gnomAD no frequency). This variant has not been reported in the literature in individuals affected with NDUFA13-related conditions. An algorithm developed to predict the effect of missense changes on protein structure and function (PolyPhen-2) suggests that this variant is likely to be disruptive. In summary, the available evidence is currently insufficient to determine the role of this variant in disease. Therefore, it has been classified as a Variant of Uncertain Significance.